The following is an entry in ClinVar:

NM_004946.3(DOCK2):c.3877-55C>G

Gene: DOCK2 (dedicator of cytokinesis 2; plus strand). Cytogenetic location: 5q35.1.
Variant type: single nucleotide variant.
Coding change: c.3877-55C>G on transcript NM_004946.3 (MANE Select); 55 bases into the intron before coding-DNA position 3877, C replaced by G.
Molecular consequence: intron variant.
Genome position (GRCh38, 1-based): chr5:170,045,761, C>G. VCF-style: chr5-170045761-C-G. GRCh37 (hg19) VCF-style: chr5-169472765-C-G.
Identifiers: ClinVar variation 2688001 (VCV002688001.2), dbSNP rs6884561, ClinGen allele CA12016273.

ClinVar aggregate classification (germline): Benign (1 of 4 stars; one submission).

Allele frequency attached by ClinVar (database versions not stated): ESP Exome Variant Server 0.40648; TOPMed 0.44262; 1000 Genomes Project 30x 0.48267; 1000 Genomes Project 0.48283.
gnomAD v4.1: 605,981 of 1,547,082 alleles (39%); highest among the groups gnomAD compares: East Asian, 63%; 123,179 homozygotes.

Submission:

Unidad de Genómica Garrahan, Hospital de Pediatría Garrahan
Classification: Benign. Last evaluated: 2024-01-24. Review status: criteria provided, single submitter. Criteria: ACMG Guidelines, 2015. Collection method: clinical testing. Allele origin: germline. Affected: no. Observed: 70 variant alleles.
Comment: This variant is classified as Benign based on local population frequency. This variant was detected in 74% of patients studied by a panel of primary immunodeficiencies. Number of patients: 70. Only high quality variants are reported.